The following is an entry in ClinVar:

NM_002471.4(MYH6):c.4742A>G (p.Lys1581Arg)

Genes: MYH6 (myosin heavy chain 6; minus strand), LOC126861896 (BRD4-independent group 4 enhancer GRCh37_chr14:23854904-23856103; plus strand). Cytogenetic location: 14q11.2.
Variant type: single nucleotide variant.
Coding change: c.4742A>G on transcript NM_002471.4 (MANE Select); coding-DNA position 4742, A replaced by G.
Protein change: p.Lys1581Arg; replaces lysine 1581 with arginine.
Molecular consequence: missense variant.
Genome position (GRCh38, 1-based): chr14:23,386,532, T>C on the plus strand (A>G on the coding strand, the complement: MYH6 is on the minus strand). VCF-style: chr14-23386532-T-C. GRCh37 (hg19) VCF-style: chr14-23855741-T-C.
Other names: short protein forms K1581R.
Identifiers: ClinVar variation 1742778 (VCV001742778.3), dbSNP rs749493266, ClinGen allele CA7114650.
Genomic context (GRCh38, chr14:23,386,532, plus strand): 5'-GTCTGCAGCGAGTCCACCACCCGCTGGTGGTTGCGCTTGGCCTGTTCCATCTCCTCGTCC[T>C]TCTCTGCCAGCTTCCGCTCGATCTCTGCCTTGATCTGGTTGAACTCTAGCTGGGCCCGGA-3'
Protein context (NP_002462.2, residues 1571-1591): KAEIERKLAE[Lys1581Arg]DEEMEQAKRN

ClinVar aggregate classification (germline): Uncertain significance (1 of 4 stars; one submission).

Conditions:
Cardiovascular phenotype. Identifiers: MedGen CN230736.

Allele frequency attached by ClinVar (database versions not stated): ExAC 0.00001; gnomAD 0.00001; TOPMed 0.00001.

Submission:

Ambry Genetics
Classification: Uncertain significance for Cardiovascular phenotype. Last evaluated: 2025-11-07. Review status: criteria provided, single submitter. Criteria: Ambry Variant Classification Scheme 2023. Collection method: clinical testing. Allele origin: germline.
Comment: The p.K1581R variant (also known as c.4742A>G), located in coding exon 31 of the MYH6 gene, results from an A to G substitution at nucleotide position 4742. The lysine at codon 1581 is replaced by arginine, an amino acid with highly similar properties. This amino acid position is highly conserved in available vertebrate species. In addition, the in silico prediction for this alteration is inconclusive. Since supporting evidence is limited at this time, the clinical significance of this alteration remains unclear.